The following is an entry in ClinVar:

ClinVar aggregate classification (germline): Uncertain significance. Review status: criteria provided, multiple submitters, no conflicts (2 of 4 stars). 3 submissions from 3 submitters: Uncertain significance (3). Last evaluated 2026-10-14.

Conditions:
Inborn genetic diseases. Identifiers: MedGen C0950123, MeSH D030342.

Allele frequency attached by ClinVar (database versions not stated): gnomAD exomes 0.00001 and 0.00003; gnomAD 0.00015 and 0.00017; TOPMed 0.00022; ExAC 0.00003; ESP Exome Variant Server 0.00015.
gnomAD v4.1: 47 of 1,614,034 alleles (0.0029%); highest among the groups gnomAD compares: African/African-American, 0.055%; no homozygotes.

Submissions (3):

GeneDx
Classification: Uncertain significance. Last evaluated: 2026-10-14. Review status: criteria provided, single submitter. Criteria: GeneDx Variant Classification Process June 2021. Collection method: clinical testing. Allele origin: germline.
Comment: In silico analysis suggests that this missense variant does not alter protein structure/function; Has not been previously published as pathogenic or benign to our knowledge

Labcorp Genetics (formerly Invitae), Labcorp
Classification: Uncertain significance. Last evaluated: 2025-08-21. Review status: criteria provided, single submitter. Criteria: Invitae Variant Classification Sherloc (09022015). Collection method: clinical testing. Allele origin: germline.
Comment: This sequence change replaces valine, which is neutral and non-polar, with isoleucine, which is neutral and non-polar, at codon 51 of the NDUFA9 protein (p.Val51Ile). This variant is present in population databases (rs150945569, gnomAD 0.05%). This variant has not been reported in the literature in individuals affected with NDUFA9-related conditions. ClinVar contains an entry for this variant (Variation ID: 1418188). An algorithm developed to predict the effect of missense changes on protein structure and function (PolyPhen-2) suggests that this variant is likely to be tolerated. In summary, the available evidence is currently insufficient to determine the role of this variant in disease. Therefore, it has been classified as a Variant of Uncertain Significance.

Ambry Genetics
Classification: Uncertain significance for Inborn genetic diseases. Last evaluated: 2024-09-03. Review status: criteria provided, single submitter. Criteria: Ambry Variant Classification Scheme 2023. Collection method: clinical testing. Allele origin: germline.

NM_005002.5(NDUFA9):c.151G>A (p.Val51Ile)

Gene: NDUFA9 (NADH:ubiquinone oxidoreductase subunit A9; plus strand). Cytogenetic location: 12p13.32.
Variant type: single nucleotide variant.
Coding change: c.151G>A on transcript NM_005002.5 (MANE Select); coding-DNA position 151, G replaced by A.
Protein change: p.Val51Ile; replaces valine 51 with isoleucine.
Molecular consequence: missense variant.
Genome position (GRCh38, 1-based): chr12:4,654,393, G>A. VCF-style: chr12-4654393-G-A. GRCh37 (hg19) VCF-style: chr12-4763559-G-A.
Other names: c.151G>A (NM_005002.4); short protein forms V51I.
Identifiers: ClinVar variation 1418188 (VCV001418188.12), dbSNP rs150945569, ClinGen allele CA6398011.